The following is an entry in ClinVar:

ClinVar aggregate classification (germline): Conflicting classifications of pathogenicity. Review status: criteria provided, conflicting classifications (1 of 4 stars). 13 submissions from 13 submitters: Likely pathogenic (1); Uncertain significance (9); Likely benign (1). 2 of the submissions do not count toward it. Last evaluated 2026-02-27.

Conditions:
Carpal tunnel syndrome 1 (CTS1). Also called: Carpal tunnel syndrome, familial. Identifiers: MedGen C5779776, MONDO:0020730, OMIM 115430.
Hyperthyroxinemia, dystransthyretinemic. Also called: EUTHRYROIDAL HYPERTHYROXINEMIA 2; HYPERTHYROXINEMIA, DYSPREALBUMINEMIC. Identifiers: MedGen C2750824, MONDO:0007785, OMIM 145680.
Amyloidosis, hereditary systemic 1 (AMYLD1). Also called: Familial amyloid polyneuropathy; Hereditary Transthyretin Amyloidosis; Transthyretin Amyloidosis; AMYLOID CARDIOMYOPATHY; Isolated Cardiac Amyloidosis; Amyloid Cardiomyopathy, Transthyretin-related. Identifiers: Orphanet 85447, Orphanet 85451, MedGen C2751492, MONDO:0971004, OMIM 105210.
Cardiovascular phenotype. Identifiers: MedGen CN230736.
Cardiomyopathy (CMYO). Also called: Cardiomyopathies. Identifiers: Orphanet 167848, MedGen C0878544, MONDO:0004994, HP:0001638. Inheritance: Various modes of inheritance.
Hyperthyroidism. Identifiers: MedGen C0020550, MONDO:0004425, HP:0000836.

Allele frequency attached by ClinVar (database versions not stated): gnomAD 0.00004 and 0.00005; ExAC 0.00005; gnomAD exomes 0.00005 and 0.00006; TOPMed 0.00006.

Submissions 1 to 10 of 13:

Ambry Genetics
Classification: Uncertain significance for Cardiovascular phenotype. Last evaluated: 2026-02-27. Review status: criteria provided, single submitter. Criteria: Ambry Variant Classification Scheme 2023. Collection method: clinical testing. Allele origin: germline.
Comment: The c.385G>A (p.A129T) alteration is located in exon 4 (coding exon 4) of the TTR gene. This alteration results from a G to A substitution at nucleotide position 385, causing the alanine (A) at amino acid position 129 to be replaced by a threonine (T). Based on data from gnomAD, the A allele has an overall frequency of 0.006% (17/282814) total alleles studied. The highest observed frequency was 0.023% (8/35440) of Latino alleles. Based on insufficient or conflicting evidence, the clinical significance of this alteration remains unclear.

Women's Health and Genetics/Laboratory Corporation of America, LabCorp
Classification: Uncertain significance. Last evaluated: 2025-03-31. Review status: criteria provided, single submitter. Criteria: LabCorp Variant Classification Summary - May 2015. Collection method: clinical testing. Allele origin: germline.
Comment: Variant summary: TTR c.385G>A (p.Ala129Thr) results in a non-conservative amino acid change in the encoded protein sequence. Three of five in-silico tools predict a benign effect of the variant on protein function. The variant allele was found at a frequency of 5.6e-05 in 251430 control chromosomes. The observed variant frequency is approximately 2 fold of the estimated maximal expected allele frequency for a pathogenic variant in TTR causing Transthyretin Amyloidosis phenotype (3.1e-05). c.385G>A has been reported in the literature in individuals affected with Transthyretin Amyloidosis and this variant co-segregated with euthyroid hyperthyroxinemia (Moses_1990, Alves_1997, Sklate_2014, Abouelhoda_2021). The variant was also found in a patient with hypertrophic cardiomyopathy (HCM), though without strong evidence for causality (Walsh 2017). In addition, a clinical laboratory that a HCM patient carrying this variant also carried a pathogenic MYBPC3 variant (LMM-PH unpublished data). In vitro studies found that the mutant protein had an increased affinity for thyroxine (Moses 1990, Alves 1997), and another study found a slightly decreased conformational stability for the variant monomers (Altland 2007). The following publications have been ascertained in the context of this evaluation (PMID: 34380564, 17503405, 9090525, 1979335, 27532257). ClinVar contains an entry for this variant (Variation ID: 43454). Based on the evidence outlined above, the variant was classified as uncertain significance.

ARUP Laboratories, Molecular Genetics and Genomics, ARUP Laboratories
Classification: Uncertain significance. Last evaluated: 2024-12-04. Review status: criteria provided, single submitter. Criteria: ARUP Molecular Germline Variant Investigation Process 2024. Collection method: clinical testing. Allele origin: germline.
Comment: The TTR c.385G>A; p.Ala129Thr variant (rs267607159), also known as Ala109Thr in traditional nomenclature, is reported in the literature in two families with euthyroid hyperthyroxinemia (Alves 1999, Moses 1990). This variant is also reported in an individual from a cardiomyopathy cohort, but without clear disease association (Walsh 2017). This variant is also reported in ClinVar (Variation ID: 43454), and is found in the general population with an overall allele frequency of 0.0060% (17/282814 alleles) in the Genome Aggregation Database (v2.1.1). Computational analyses are uncertain whether this variant is neutral or deleterious (REVEL: 0.559). Functional analyses of the variant protein show increased binding affinity with T4 (Moses 1990), consistent with the euthyroid hyperthyroxinemia association. Other in vitro functional analyses demonstrate amyloid levels similar to wild type, suggesting the variant may not have an increased potential to form amyloid fibrils (Grether 2022). Based on the available information, the p.Ala129Thr variant is associated with clinically benign euthyroid hyperthyroxinemia, but its association with cardiomyopathy cannot be determined with certainty. References: Alves et al. Screening and biochemical characterization of transthyretin variants in the Portuguese population. Hum Mutat. 1997; 9(3): 226-233. PMID: 9090525. Grether NB et al. Amyloidogenicity assessment of transthyretin gene variants. Ann Clin Transl Neurol. 2022 Aug;9(8):1252-1263. PMID: 35903975. Moses et al. A point mutation in transthyretin increases affinity for thyroxine and produces euthyroid hyperthyroxinemia. J Clin Invest. 1990; 86(6): 2025-2033. PMID: 1979335. Walsh et al. Reassessment of Mendelian gene pathogenicity using 7,855 cardiomyopathy cases and 60,706 reference samples. Genet Med. 2017; 19(2): 192-203. PMID: 27532257.

Cambridge Genomics Laboratory, East Genomic Laboratory Hub, NHS Genomic Medicine Service
Classification: Likely pathogenic for Hyperthyroidism. Last evaluated: 2024-11-15. Review status: criteria provided, single submitter. Criteria: ACGS Best Practice Guidelines for Variant Classification in Rare Disease 2020. Collection method: clinical testing. Allele origin: germline. Affected: yes.
Comment: PS3_Supporting

Blueprint Genetics
Classification: Likely benign. Last evaluated: 2024-08-08. Review status: criteria provided, single submitter. Criteria: ACMG Guidelines, 2015. Collection method: clinical testing. Allele origin: germline.

Labcorp Genetics (formerly Invitae), Labcorp
Classification: Uncertain significance for Amyloidosis, hereditary systemic 1. Last evaluated: 2024-01-03. Review status: criteria provided, single submitter. Criteria: Invitae Variant Classification Sherloc (09022015). Collection method: clinical testing. Allele origin: germline.
Comment: This sequence change replaces alanine, which is neutral and non-polar, with threonine, which is neutral and polar, at codon 129 of the TTR protein (p.Ala129Thr). This variant is present in population databases (rs267607159, gnomAD 0.02%). This missense change has been observed in individual(s) with euthyroid hyperthyroxinemia and/or hypertrophic cardiomyopathy (PMID: 1979335, 27532257). This variant is also known as p.Ala109Thr. ClinVar contains an entry for this variant (Variation ID: 43454). Advanced modeling of protein sequence and biophysical properties (such as structural, functional, and spatial information, amino acid conservation, physicochemical variation, residue mobility, and thermodynamic stability) performed at Invitae indicates that this missense variant is expected to disrupt TTR protein function with a positive predictive value of 95%. Experimental studies are conflicting or provide insufficient evidence to determine the effect of this variant on TTR function (PMID: 1979335). In summary, the available evidence is currently insufficient to determine the role of this variant in disease. Therefore, it has been classified as a Variant of Uncertain Significance.

Fulgent Genetics
Classification: Uncertain significance for Amyloidosis, hereditary systemic 1; Carpal tunnel syndrome 1; Hyperthyroxinemia, dystransthyretinemic. Last evaluated: 2022-05-10. Review status: criteria provided, single submitter. Criteria: ACMG Guidelines, 2015. Collection method: clinical testing. Allele origin: unknown.

Mayo Clinic Laboratories, Mayo Clinic
Classification: Uncertain significance. Last evaluated: 2022-04-29. Review status: criteria provided, single submitter. Criteria: ACMG Guidelines, 2015. Collection method: clinical testing. Allele origin: germline. Observed: 3 variant alleles.

CHEO Genetics Diagnostic Laboratory, Children's Hospital of Eastern Ontario
Classification: Uncertain significance for Cardiomyopathy. Last evaluated: 2022-02-01. Review status: criteria provided, single submitter. Criteria: ACMG Guidelines, 2015. Collection method: clinical testing. Allele origin: germline.

Laboratory for Molecular Medicine, Mass General Brigham Personalized Medicine
Classification: Uncertain significance. Last evaluated: 2021-04-06. Review status: criteria provided, single submitter. Criteria: LMM Criteria. Collection method: clinical testing. Allele origin: germline. Observed: 4 variant alleles.
Comment: The p.Ala129Thr variant in TTR has been reported in one individual with hypertrophic cardiomyopathy who also carried a pathogenic MYBPC3 variant and in several individuals from one family with euthyroid hyperthyroxinemia but no symptoms of transthyretin amyloidosis (Moses 1990 PMID: 1979335, Walsh 2017 PMID: 27532257, LMM data). It has also been identified in 0.02% (8/35440) of Latino chromosomes by gnomAD. In vitro functional studies provide some evidence that this variant leads to an increased affinity of thyroxine (T4) to the TTR protein (Moses 1990 PMID: 1979335, Alves 1997 PMID: 9090525); however, these types of assays may not accurately represent biological function and computational prediction tools and conservation analyses do not provide strong support for or against an impact to the protein. Additional variants involving this codon (p.Ala129Ser and p.Ala129Val) have been identified; p.Ala129Ser in individuals with hereditary amyloidosis (Date 1997 PMID: 9268242), and p.Ala129Val in individuals with euthyroid hyperthyroxinemia (Refetoff 1996 PMID: 8784093). In summary, the clinical significance of this variant is uncertain. ACMG/AMP Criteria applied: PS3_Supporting.

NM_000371.4(TTR):c.385G>A (p.Ala129Thr)

Gene: TTR (transthyretin; plus strand). Cytogenetic location: 18q12.1.
Variant type: single nucleotide variant.
Coding change: c.385G>A on transcript NM_000371.4 (MANE Select); coding-DNA position 385, G replaced by A.
Protein change: p.Ala129Thr; replaces alanine 129 with threonine.
Molecular consequence: missense variant.
Genome position (GRCh38, 1-based): chr18:31,598,616, G>A. VCF-style: chr18-31598616-G-A. GRCh37 (hg19) VCF-style: chr18-29178579-G-A.
Other names: A109T; short protein forms A129T.
Identifiers: ClinVar variation 43454 (VCV000043454.37), dbSNP rs267607159, ClinGen allele CA132600.